The following is an entry in ClinVar:

ClinVar aggregate classification (germline): Pathogenic/Likely pathogenic. Review status: criteria provided, multiple submitters, no conflicts (2 of 4 stars). 3 submissions from 3 submitters: Pathogenic (2); Likely pathogenic (1). Last evaluated 2026-07-21.

Conditions:
Miller syndrome (POADS). Also called: GENEE-WIEDEMANN SYNDROME; Genee-Wiedemann acrofacial dysostosis. Identifiers: Orphanet 246, MedGen C0265257, MONDO:0009903, OMIM 263750.
DHODH-related disorder. Also called: DHODH-related condition.

Submissions (3):

PreventionGenetics, part of Exact Sciences
Classification: Likely pathogenic for DHODH-related condition. Last evaluated: 2026-07-21. Review status: criteria provided, single submitter. Criteria: ACMG Guidelines, 2015. Collection method: clinical testing. Allele origin: germline.
Comment: The DHODH c.248_261del14 variant is predicted to result in a frameshift and premature protein termination (p.Leu83Profs*11). This variant has been reported in the literature, although additional clinical information was not provided about the reported patient (Hou et al. 2020. PubMed ID: 31980526). This variant is reported in 0.028% of alleles in individuals of European (Non-Finnish) descent in gnomAD. Frameshift variants in DHODH are expected to be pathogenic. This variant is interpreted as likely pathogenic.

Labcorp Genetics (formerly Invitae), Labcorp
Classification: Pathogenic. Last evaluated: 2023-12-21. Review status: criteria provided, single submitter. Criteria: Invitae Variant Classification Sherloc (09022015). Collection method: clinical testing. Allele origin: germline.
Comment: This sequence change creates a premature translational stop signal (p.Leu83Profs*11) in the DHODH gene. It is expected to result in an absent or disrupted protein product. Loss-of-function variants in DHODH are known to be pathogenic (PMID: 22692683, 22967083). This variant is present in population databases (rs776973679, gnomAD 0.03%). This variant has not been reported in the literature in individuals affected with DHODH-related conditions. ClinVar contains an entry for this variant (Variation ID: 1075250). For these reasons, this variant has been classified as Pathogenic.

Revvity Omics, Revvity
Classification: Pathogenic for Miller syndrome. Last evaluated: 2019-08-01. Review status: criteria provided, single submitter. Criteria: ACMG Guidelines, 2015. Collection method: clinical testing. Allele origin: germline.

Literature cited by the submitters: PubMed 22692683 (cited by Labcorp Genetics (formerly Invitae), Labcorp); PubMed 22967083 (cited by Labcorp Genetics (formerly Invitae), Labcorp).

NM_001361.5(DHODH):c.248_261del (p.Leu83fs)

Gene: DHODH (dihydroorotate dehydrogenase (quinone); plus strand). Cytogenetic location: 16q22.2.
Variant type: Deletion.
Coding change: c.248_261del on transcript NM_001361.5 (MANE Select); coding-DNA positions 248 to 261, 14 bases deleted (TGGGCCATAAATTC).
Protein change: p.Leu83fs; shifts the reading frame from leucine 83.
Molecular consequence: frameshift variant.
Genome position (GRCh38, 1-based): chr16:72,014,486-72,014,499, TGGGCCATAAATTC deleted; deleting any 14 consecutive bases within chr16:72,014,483-72,014,499 gives the same sequence; the c. name uses the placement nearest the transcript's 3' end. VCF-style (leftmost placement, unchanged base first): chr16-72014482-GTTCTGGGCCATAAA-G. GRCh37 (hg19) VCF-style: chr16-72048381-GTTCTGGGCCATAAA-G.
Other names: p.(Leu83ProfsTer11); c.248_261del14 (NM_001361.4); short protein forms L83fs.
Identifiers: ClinVar variation 1075250 (VCV001075250.13), dbSNP rs776973679, ClinGen allele CA8158579.